The following is an entry in ClinVar:

NM_201384.3(PLEC):c.2962G>C (p.Glu988Gln)

Gene: PLEC (plectin; minus strand). Cytogenetic location: 8q24.3.
Variant type: single nucleotide variant.
Coding change: c.2962G>C on transcript NM_201384.3 (MANE Select); coding-DNA position 2962, G replaced by C.
Protein change: p.Glu988Gln; replaces glutamic acid 988 with glutamine.
Molecular consequence: missense variant.
Genome position (GRCh38, 1-based): chr8:143,929,533, C>G on the plus strand (G>C on the coding strand, the complement: PLEC is on the minus strand). VCF-style: chr8-143929533-C-G. GRCh37 (hg19) VCF-style: chr8-145003701-C-G.
Other names: c.3043G>C, p.Glu1015Gln (NM_000445.5); c.2920G>C, p.Glu974Gln (NM_201378.4); c.2896G>C, p.Glu966Gln (NM_201379.3); c.3373G>C, p.Glu1125Gln (NM_201380.4); c.2866G>C, p.Glu956Gln (NM_201381.3); c.2962G>C, p.Glu988Gln (NM_201382.4); c.2974G>C, p.Glu992Gln (NM_201383.3); short protein forms E1015Q, E1125Q, E956Q, E966Q, E974Q, E988Q, E992Q.
Identifiers: ClinVar variation 387220 (VCV000387220.13), dbSNP rs367627441, ClinGen allele CA4927274.

ClinVar aggregate classification (germline): Conflicting classifications of pathogenicity. Review status: criteria provided, conflicting classifications (1 of 4 stars). 4 submissions from 4 submitters: Uncertain significance (3); Likely benign (1). Last evaluated 2025-11-20.

Conditions:
Epidermolysis bullosa simplex with nail dystrophy (EBS5D). Identifiers: MedGen C4225309, MONDO:0014661, OMIM 616487.
Epidermolysis bullosa simplex 5B, with muscular dystrophy (EBS5B). Also called: EPIDERMOLYSIS BULLOSA SIMPLEX AND LIMB-GIRDLE MUSCULAR DYSTROPHY; Epidermolysis bullosa simplex with muscular dystrophy. Identifiers: Orphanet 257, MedGen C2931072, MONDO:0009181, OMIM 226670.
Epidermolysis bullosa simplex, Ogna type (EBS5A). Also called: Pidermolysis bullosa simplex 5A, Ogna type; EPIDERMOLYSIS BULLOSA SIMPLEX 5A, OGNA TYPE. Identifiers: Orphanet 79401, MedGen C0432317, MONDO:0007555, OMIM 131950.
Autosomal recessive limb-girdle muscular dystrophy type 2Q (LGMDR17). Also called: MUSCULAR DYSTROPHY, LIMB-GIRDLE, AUTOSOMAL RECESSIVE 17. Identifiers: Orphanet 254361, MedGen C3150989, MONDO:0013390, OMIM 613723.
Epidermolysis bullosa simplex 5C, with pyloric atresia (EBS5C). Also called: PLEC-Related Epidermolysis Bullosa with Pyloric Atresia; Epidermolysis bullosa simplex with pyloric atresia; PLEC1-Related Epidermolysis Bullosa with Pyloric Atresia. Identifiers: Orphanet 158684, MedGen C2677349, MONDO:0012807, OMIM 612138.
Inborn genetic diseases. Identifiers: MedGen C0950123, MeSH D030342.

Allele frequency attached by ClinVar (database versions not stated): 1000 Genomes Project 0.00040; 1000 Genomes Project 30x 0.00047.
gnomAD v4.1: 72 of 1,612,636 alleles (0.0045%); highest among the groups gnomAD compares: South Asian, 0.056%; 1 homozygote.

Submissions (4):

Ambry Genetics
Classification: Uncertain significance for Inborn genetic diseases. Last evaluated: 2025-11-20. Review status: criteria provided, single submitter. Criteria: Ambry Variant Classification Scheme 2023. Collection method: clinical testing. Allele origin: germline.

Labcorp Genetics (formerly Invitae), Labcorp
Classification: Uncertain significance for Autosomal recessive limb-girdle muscular dystrophy type 2Q; Epidermolysis bullosa simplex, Ogna type; Epidermolysis bullosa simplex with nail dystrophy; Epidermolysis bullosa simplex 5C, with pyloric atresia; Epidermolysis bullosa simplex 5B, with muscular dystrophy. Last evaluated: 2025-02-27. Review status: criteria provided, single submitter. Criteria: Invitae Variant Classification Sherloc (09022015). Collection method: clinical testing. Allele origin: germline.
Comment: This sequence change replaces glutamic acid, which is acidic and polar, with glutamine, which is neutral and polar, at codon 1015 of the PLEC protein (p.Glu1015Gln). This variant is present in population databases (rs367627441, gnomAD 0.07%). This variant has not been reported in the literature in individuals affected with PLEC-related conditions. ClinVar contains an entry for this variant (Variation ID: 387220). Invitae Evidence Modeling of protein sequence and biophysical properties (such as structural, functional, and spatial information, amino acid conservation, physicochemical variation, residue mobility, and thermodynamic stability) indicates that this missense variant is not expected to disrupt PLEC protein function with a negative predictive value of 80%. In summary, the available evidence is currently insufficient to determine the role of this variant in disease. Therefore, it has been classified as a Variant of Uncertain Significance.

Eurofins Ntd Llc (ga)
Classification: Uncertain significance. Last evaluated: 2016-11-09. Review status: criteria provided, single submitter. Criteria: EGL Classification Definitions 2015. Collection method: clinical testing. Allele origin: germline. Observed: 2 variant alleles, 2 heterozygotes.

GeneDx
Classification: Likely benign. Last evaluated: 2016-07-26. Review status: criteria provided, single submitter. Criteria: GeneDx Variant Classification (06012015). Collection method: clinical testing. Allele origin: germline. Affected: yes.
Comment: This variant is considered likely benign or benign based on one or more of the following criteria: it is a conservative change, it occurs at a poorly conserved position in the protein, it is predicted to be benign by multiple in silico algorithms, and/or has population frequency not consistent with disease.